The following is an entry in ClinVar:

ClinVar aggregate classification (germline): Pathogenic/Likely pathogenic. Review status: criteria provided, multiple submitters, no conflicts (2 of 4 stars). 4 submissions from 4 submitters: Pathogenic (3); Likely pathogenic (1). Last evaluated 2026-03-05.

Conditions:
Cerebral cavernous malformation (CCM). Also called: Cerebral cavernous malformations; CAVERNOUS ANGIOMA, FAMILIAL; CAVERNOUS ANGIOMATOUS MALFORMATIONS; CEREBRAL CAPILLARY MALFORMATIONS; Cavernous Hemangioma of Brain; Cerebral cavernous hemangioma (type). Identifiers: Orphanet 221061, MedGen C2919945, MONDO:0000820, OMIM 116860, HP:0033522.
KRIT1-related disorder. Also called: KRIT1-related condition; KRIT1-related disorders.

Submissions (4):

GeneDx
Classification: Likely pathogenic. Last evaluated: 2026-03-05. Review status: criteria provided, single submitter. Criteria: GeneDx Variant Classification Process June 2021. Collection method: clinical testing. Allele origin: germline.
Comment: Canonical splice site variant predicted to result in an in-frame loss of the adjacent exon in a gene for which loss of function is a known mechanism of disease; Not observed at significant frequency in large population cohorts (gnomAD); This variant is associated with the following publications: (PMID: 14755725, 31254430)

Labcorp Genetics (formerly Invitae), Labcorp
Classification: Pathogenic for Cerebral cavernous malformation. Last evaluated: 2025-10-21. Review status: criteria provided, single submitter. Criteria: Invitae Variant Classification Sherloc (09022015). Collection method: clinical testing. Allele origin: germline.
Comment: This sequence change affects a donor splice site in intron 18 of the KRIT1 gene. It is expected to disrupt RNA splicing. Variants that disrupt the donor or acceptor splice site typically lead to a loss of protein function (PMID: 16199547), and loss-of-function variants in KRIT1 are known to be pathogenic (PMID: 10508515, 11222804, 12404106, 24689081). This variant is not present in population databases (gnomAD no frequency). Disruption of this splice site has been observed in individuals with cerebral cavernous malformations (PMID: 14755725, 31254430). This variant is also known as IVS17+1G/A. ClinVar contains an entry for this variant (Variation ID: 1803999). Algorithms developed to predict the effect of sequence changes on RNA splicing suggest that this variant may disrupt the consensus splice site. For these reasons, this variant has been classified as Pathogenic.

Institute of Human Genetics Munich, TUM University Hospital
Classification: Pathogenic for Cerebral cavernous malformation. Last evaluated: 2021-03-25. Review status: criteria provided, single submitter. Criteria: Classification criteria August 2017. Collection method: clinical testing. Allele origin: germline. Inheritance: Autosomal dominant inheritance. Affected: yes. Observed: 1 variant allele.

Blueprint Genetics
Classification: Pathogenic for KRIT1-related disorders. Last evaluated: 2021-03-16. Review status: criteria provided, single submitter. Criteria: ACMG Guidelines, 2015. Collection method: clinical testing. Allele origin: germline. Affected: yes. Observed: 1 variant allele.

Literature cited by the submitters: PubMed 16199547 (cited by Labcorp Genetics (formerly Invitae), Labcorp); PubMed 10508515 (cited by Labcorp Genetics (formerly Invitae), Labcorp); PubMed 11222804 (cited by Labcorp Genetics (formerly Invitae), Labcorp); PubMed 12404106 (cited by Labcorp Genetics (formerly Invitae), Labcorp); PubMed 24689081 (cited by Labcorp Genetics (formerly Invitae), Labcorp); PubMed 14755725 (cited by Labcorp Genetics (formerly Invitae), Labcorp); PubMed 31254430 (cited by Labcorp Genetics (formerly Invitae), Labcorp).

NM_194454.3(KRIT1):c.2025+1G>A

Gene: KRIT1 (KRIT1 ankyrin repeat containing; minus strand). Cytogenetic location: 7q21.2.
Variant type: single nucleotide variant.
Coding change: c.2025+1G>A on transcript NM_194454.3 (MANE Select); the canonical splice donor site of the intron after coding-DNA position 2025, G replaced by A.
Molecular consequence: splice donor variant.
Genome position (GRCh38, 1-based): chr7:92,213,194, C>T on the plus strand (G>A on the coding strand, the complement: KRIT1 is on the minus strand). VCF-style: chr7-92213194-C-T. GRCh37 (hg19) VCF-style: chr7-91842508-C-T.
Other names: c.2025+1G>A (NM_001350672.1, NM_001350676.1, NM_001350673.1 and 26 more transcripts); c.1881+1G>A (NM_001350669.1, NM_001013406.2, NM_001350670.1); c.1311+1G>A (NM_001350671.1).
Identifiers: ClinVar variation 1803999 (VCV001803999.8), dbSNP rs2535703262, ClinGen allele CA368138963.